The following is an entry in ClinVar:

NM_000312.4(PROC):c.487G>C (p.Ala163Pro)

Gene: PROC (protein C, inactivator of coagulation factors Va and VIIIa; plus strand). Cytogenetic location: 2q14.3.
Variant type: single nucleotide variant.
Coding change: c.487G>C on transcript NM_000312.4 (MANE Select); coding-DNA position 487, G replaced by C.
Protein change: p.Ala163Pro; replaces alanine 163 with proline.
Molecular consequence: missense variant.
Genome position (GRCh38, 1-based): chr2:127,423,360, G>C. VCF-style: chr2-127423360-G-C. GRCh37 (hg19) VCF-style: chr2-128180936-G-C.
Other names: c.670G>C, p.Ala224Pro (NM_001375602.1); c.652G>C, p.Ala218Pro (NM_001375603.1); c.550G>C, p.Ala184Pro (NM_001375604.1); c.589G>C, p.Ala197Pro (NM_001375605.1); c.655G>C, p.Ala219Pro (NM_001375606.1); c.673G>C, p.Ala225Pro (NM_001375607.1); c.430G>C, p.Ala144Pro (NM_001375608.1); c.463G>C, p.Ala155Pro (NM_001375609.1); and 2 more; short protein forms A144P, A155P, A161P, A163P, A184P, A197P, A218P, A219P.
Identifiers: ClinVar variation 2506179 (VCV002506179.1), dbSNP rs2468340041, ClinGen allele CA348400085.
Genomic context (GRCh38, chr2:127,423,360, plus strand): 5'-GACAACGGCGGCTGCACGCATTACTGCCTAGAGGAGGTGGGCTGGCGGCGCTGTAGCTGT[G>C]CGCCTGGCTACAAGCTGGGGGACGACCTCCTGCAGTGTCACCCCGCAGGTGAGAAGCCCC-3'
Protein context (NP_000303.1, residues 153-173): EEVGWRRCSC[Ala163Pro]PGYKLGDDLL

ClinVar aggregate classification (germline): Uncertain significance (1 of 4 stars; one submission).

Submission:

Women's Health and Genetics/Laboratory Corporation of America, LabCorp
Classification: Uncertain significance. Last evaluated: 2023-05-11. Review status: criteria provided, single submitter. Criteria: LabCorp Variant Classification Summary - May 2015. Collection method: clinical testing. Allele origin: germline.
Comment: Variant summary: PROC c.487G>C (p.Ala163Pro) results in a non-conservative amino acid change located in the EGF-like domain (IPR000742) of the encoded protein sequence. Three of five in-silico tools predict a damaging effect of the variant on protein function. The variant was absent in 148450 control chromosomes. The available data on variant occurrences in the general population are insufficient to allow any conclusion about variant significance. To our knowledge, no occurrence of c.487G>C in individuals affected with Thrombophilia Due To Protein C Deficiency, Autosomal Dominant and no experimental evidence demonstrating its impact on protein function have been reported. No clinical diagnostic laboratories have submitted clinical-significance assessments for this variant to ClinVar after 2014. Based on the evidence outlined above, the variant was classified as uncertain significance.